The following is an entry in ClinVar:

ClinVar aggregate classification (germline): Uncertain significance (1 of 4 stars; one submission).

Conditions:
BBS5-related disorder. Also called: BBS5-related condition.

gnomAD v4.1: 4 of 1,597,706 alleles (0.00025%); highest among the groups gnomAD compares: Non-Finnish European, 0.00034%; no homozygotes.

Submission:

PreventionGenetics, part of Exact Sciences
Classification: Uncertain significance for BBS5-related condition. Last evaluated: 2024-12-04. Review status: criteria provided, single submitter. Criteria: ACMG Guidelines, 2015. Collection method: clinical testing. Allele origin: germline.
Comment: The BBS5 c.523-5T>C variant is predicted to interfere with splicing. To our knowledge, this variant has not been reported in the literature. This variant is reported in 0.00088% of alleles in individuals of European (Non-Finnish) descent in gnomAD. This variant is predicted to alter splicing based on available splicing prediction programs (SpliceAI, Jaganathan et al. 2019. PubMed ID: 30661751). However, the use of computer prediction programs is not equivalent to functional evidence. At this time, the clinical significance of this variant is uncertain due to the absence of conclusive functional and genetic evidence.

NM_152384.3(BBS5):c.523-5T>C

Gene: BBS5 (Bardet-Biedl syndrome 5; plus strand). Cytogenetic location: 2q31.1.
Variant type: single nucleotide variant.
Coding change: c.523-5T>C on transcript NM_152384.3 (MANE Select); 5 bases into the intron before coding-DNA position 523, T replaced by C.
Molecular consequence: intron variant.
Genome position (GRCh38, 1-based): chr2:169,493,736, T>C. VCF-style: chr2-169493736-T-C. GRCh37 (hg19) VCF-style: chr2-170350246-T-C.
Identifiers: ClinVar variation 4987459 (VCV004987459.1).
Genomic context (GRCh38, chr2:169,493,736, plus strand): 5'-TTAGAAAATAAAGAATAGGTACCAAAAAAATGATCATTTCGGTATCTCATTACTGTTTTT[T>C]ACAGGGCAATTTAGGAACCTTTTTTATTACCAATGTGAGAATTGTGTGGCATGCAAATAT-3'